The following is an entry in ClinVar:

ClinVar aggregate classification (germline): Uncertain significance. Review status: criteria provided, multiple submitters, no conflicts (2 of 4 stars). 2 submissions from 2 submitters: Uncertain significance (2). Last evaluated 2025-02-08.

Conditions:
Inborn genetic diseases. Identifiers: MedGen C0950123, MeSH D030342.
Nephronophthisis 18 (NPHP18). Identifiers: Orphanet 655, MedGen C3890591, MONDO:0014374, OMIM 615862.

Allele frequency attached by ClinVar (database versions not stated): gnomAD 0.00001; TOPMed 0.00002.
gnomAD v4.1: 4 of 1,612,424 alleles (0.00025%); highest among the groups gnomAD compares: African/African-American, 0.0013%; no homozygotes.

Submissions (2):

Ambry Genetics
Classification: Uncertain significance for Inborn genetic diseases. Last evaluated: 2025-02-08. Review status: criteria provided, single submitter. Criteria: Ambry Variant Classification Scheme 2023. Collection method: clinical testing. Allele origin: germline.

Labcorp Genetics (formerly Invitae), Labcorp
Classification: Uncertain significance for Nephronophthisis 18. Last evaluated: 2024-01-19. Review status: criteria provided, single submitter. Criteria: Invitae Variant Classification Sherloc (09022015). Collection method: clinical testing. Allele origin: germline.
Comment: This sequence change replaces isoleucine, which is neutral and non-polar, with valine, which is neutral and non-polar, at codon 644 of the CEP83 protein (p.Ile644Val). This variant is present in population databases (rs747248409, gnomAD 0.004%). This variant has not been reported in the literature in individuals affected with CEP83-related conditions. ClinVar contains an entry for this variant (Variation ID: 2075562). Algorithms developed to predict the effect of missense changes on protein structure and function output the following: SIFT: "Not Available"; PolyPhen-2: "Benign"; Align-GVGD: "Not Available". The valine amino acid residue is found in multiple mammalian species, which suggests that this missense change does not adversely affect protein function. In summary, the available evidence is currently insufficient to determine the role of this variant in disease. Therefore, it has been classified as a Variant of Uncertain Significance.

NM_016122.3(CEP83):c.1930A>G (p.Ile644Val)

Gene: CEP83 (centrosomal protein 83; minus strand). Cytogenetic location: 12q22.
Variant type: single nucleotide variant.
Coding change: c.1930A>G on transcript NM_016122.3 (MANE Select); coding-DNA position 1930, A replaced by G.
Protein change: p.Ile644Val; replaces isoleucine 644 with valine.
Molecular consequence: missense variant. On other transcripts: non-coding transcript variant (2).
Genome position (GRCh38, 1-based): chr12:94,309,989, T>C on the plus strand (A>G on the coding strand, the complement: CEP83 is on the minus strand). VCF-style: chr12-94309989-T-C. GRCh37 (hg19) VCF-style: chr12-94703765-T-C.
Other names: c.1930A>G, p.Ile644Val (NM_001042399.2, NM_001346457.2, NM_001368037.1 and 1 more transcripts); c.1618A>G, p.Ile540Val (NM_001346458.2, NM_001346459.2, NM_001368039.1 and 1 more transcripts); c.1705A>G, p.Ile569Val (NM_001368041.1); c.1930A>G (NM_016122.2); short protein forms I644V, I540V, I569V.
Identifiers: ClinVar variation 2075562 (VCV002075562.5), dbSNP rs747248409, ClinGen allele CA6721523.